The following is an entry in ClinVar:

NM_020944.3(GBA2):c.1651_1654del (p.Trp551fs)

Gene: GBA2 (glucosylceramidase beta 2; minus strand). Cytogenetic location: 9p13.3.
Variant type: Deletion.
Coding change: c.1651_1654del on transcript NM_020944.3 (MANE Select); coding-DNA positions 1651 to 1654, 4 bases deleted (TGGC; older notation c.1651_1654delTGGC).
Protein change: p.Trp551fs; shifts the reading frame from tryptophan 551.
Molecular consequence: frameshift variant.
Genome position (GRCh38, 1-based): chr9:35,739,348-35,739,351, GCCA deleted on the plus strand (TGGC on the coding strand, the reverse complement: GBA2 is on the minus strand); deleting any 4 consecutive bases within chr9:35,739,348-35,739,352 gives the same sequence; the c. name uses the placement nearest the transcript's 3' end. VCF-style (leftmost placement, unchanged base first): chr9-35739347-GGCCA-G. GRCh37 (hg19) VCF-style: chr9-35739344-GGCCA-G.
Other names: c.1651_1654del, p.Trp551fs (NM_001330660.2); short protein forms W551fs.
Identifiers: ClinVar variation 2019783 (VCV002019783.4), dbSNP rs2490864574, ClinGen allele CA2580080460.

ClinVar aggregate classification (germline): Pathogenic (1 of 4 stars; one submission).

Conditions:
Spastic paraplegia. Identifiers: MedGen C0037772, HP:0001258.

Submission:

Labcorp Genetics (formerly Invitae), Labcorp
Classification: Pathogenic for Spastic paraplegia. Last evaluated: 2022-09-27. Review status: criteria provided, single submitter. Criteria: Invitae Variant Classification Sherloc (09022015). Collection method: clinical testing. Allele origin: germline.
Comment: For these reasons, this variant has been classified as Pathogenic. This variant has not been reported in the literature in individuals affected with GBA2-related conditions. This sequence change creates a premature translational stop signal (p.Trp551Profs*20) in the GBA2 gene. It is expected to result in an absent or disrupted protein product. Loss-of-function variants in GBA2 are known to be pathogenic (PMID: 23332916, 23332917). This variant is not present in population databases (gnomAD no frequency).

Literature cited by the submitters: PubMed 23332916; PubMed 23332917.